The following is an entry in ClinVar:

ClinVar aggregate classification (germline): Conflicting classifications of pathogenicity. Review status: criteria provided, conflicting classifications (1 of 4 stars). 2 submissions from 2 submitters: Uncertain significance (1); Likely benign (1). Last evaluated 2024-09-16.

Conditions:
Familial cancer of breast. Also called: Hereditary breast cancer; hereditary breast carcinoma; BREAST CANCER, FAMILIAL. Identifiers: Orphanet 227535, MedGen C0346153, MONDO:0016419, OMIM 114480. Disease mechanism: loss of function.
Hereditary cancer-predisposing syndrome. Also called: Neoplastic Syndromes, Hereditary; Tumor predisposition; Hereditary neoplastic syndrome; Hereditary Cancer Syndrome. Identifiers: Orphanet 140162, MedGen C0027672, MeSH D009386, MONDO:0015356.

Submissions (2):

Ambry Genetics
Classification: Likely benign for Hereditary cancer-predisposing syndrome. Last evaluated: 2024-09-16. Review status: criteria provided, single submitter. Criteria: Ambry Variant Classification Scheme 2023. Collection method: clinical testing. Allele origin: germline.

Labcorp Genetics (formerly Invitae), Labcorp
Classification: Uncertain significance for Familial cancer of breast. Last evaluated: 2019-03-12. Review status: criteria provided, single submitter. Criteria: Invitae Variant Classification Sherloc (09022015). Collection method: clinical testing. Allele origin: germline.
Comment: Algorithms developed to predict the effect of missense changes on protein structure and function output the following: SIFT: "Tolerated"; PolyPhen-2: "Benign"; Align-GVGD: "Class C0". The threonine amino acid residue is found in multiple mammalian species, suggesting that this missense change does not adversely affect protein function. These predictions have not been confirmed by published functional studies and their clinical significance is uncertain. In summary, the available evidence is currently insufficient to determine the role of this variant in disease. Therefore, it has been classified as a Variant of Uncertain Significance. This sequence change replaces isoleucine with threonine at codon 216 of the PALB2 protein (p.Ile216Thr). The isoleucine residue is weakly conserved and there is a moderate physicochemical difference between isoleucine and threonine. This variant is not present in population databases (ExAC no frequency). This variant has not been reported in the literature in individuals with PALB2-related conditions.

NM_024675.4(PALB2):c.647T>C (p.Ile216Thr)

Gene: PALB2 (partner and localizer of BRCA2; minus strand). Cytogenetic location: 16p12.2.
Variant type: single nucleotide variant.
Coding change: c.647T>C on transcript NM_024675.4 (MANE Select); coding-DNA position 647, T replaced by C.
Protein change: p.Ile216Thr; replaces isoleucine 216 with threonine.
Molecular consequence: missense variant.
Genome position (GRCh38, 1-based): chr16:23,635,899, A>G on the plus strand (T>C on the coding strand, the complement: PALB2 is on the minus strand). VCF-style: chr16-23635899-A-G. GRCh37 (hg19) VCF-style: chr16-23647220-A-G.
Other names: short protein forms I216T.
Identifiers: ClinVar variation 838226 (VCV000838226.11), dbSNP rs1967031858, ClinGen allele CA395136523.
Genomic context (GRCh38, chr16:23,635,899, plus strand): 5'-AATGTATCAACACCTTTTTCTGGTTGGGCAGTTGGTGGAATTAATACACTGTCTTCATTA[A>G]TTTCTGTAACTGGTTCTGGAGAATCTGGAAGTTCAGATTTAAGACTTAAAAGGTGAGTTC-3'
Protein context (NP_078951.2, residues 206-226): LPDSPEPVTE[Ile216Thr]NEDSVLIPPT